The following is an entry in ClinVar:

NM_032634.4(PIGO):c.779+49C>T

Gene: PIGO (phosphatidylinositol glycan anchor biosynthesis class O; minus strand). Cytogenetic location: 9p13.3.
Variant type: single nucleotide variant.
Coding change: c.779+49C>T on transcript NM_032634.4 (MANE Select); 49 bases into the intron after coding-DNA position 779, C replaced by T.
Molecular consequence: intron variant.
Genome position (GRCh38, 1-based): chr9:35,093,852, G>A on the plus strand (C>T on the coding strand, the complement: PIGO is on the minus strand). VCF-style: chr9-35093852-G-A. GRCh37 (hg19) VCF-style: chr9-35093849-G-A.
Other names: c.779+49C>T (NM_152850.4, NM_001201484.2).
Identifiers: ClinVar variation 670826 (VCV000670826.2), dbSNP rs2240115, ClinGen allele CA5040839.

ClinVar aggregate classification (germline): Benign. Review status: criteria provided, multiple submitters, no conflicts (2 of 4 stars). 2 submissions from 2 submitters: Benign (2). Last evaluated 2018-06-19.

Allele frequency attached by ClinVar (database versions not stated): ESP Exome Variant Server 0.02976; gnomAD 0.04230 and 0.04854; gnomAD exomes 0.04347 and 0.07326; TOPMed 0.04770; ExAC 0.07033; 1000 Genomes Project 30x 0.10041; 1000 Genomes Project 0.10663.
gnomAD v4.1: 70,970 of 1,598,920 alleles (4.4%); highest among the groups gnomAD compares: East Asian, 34%; 4,187 homozygotes.

Submissions (2):

GeneDx
Classification: Benign. Last evaluated: 2018-06-19. Review status: criteria provided, single submitter. Criteria: GeneDx Variant Classification (06012015). Collection method: clinical testing. Allele origin: germline. Affected: yes.
Comment: This variant is considered likely benign or benign based on one or more of the following criteria: it is a conservative change, it occurs at a poorly conserved position in the protein, it is predicted to be benign by multiple in silico algorithms, and/or has population frequency not consistent with disease.

Breakthrough Genomics
Classification: Benign. Review status: criteria provided, single submitter. Criteria: ACMG Guidelines, 2015. Collection method: not provided. Allele origin: germline. Inheritance: Autosomal recessive inheritance. Affected: yes.